The following is an entry in ClinVar:

NM_001278512.2(AP3B2):c.1732C>T (p.Arg578Trp)

Genes: AP3B2 (adaptor related protein complex 3 subunit beta 2; minus strand), CPEB1-AS1 (CPEB1 antisense RNA 1; plus strand). Cytogenetic location: 15q25.2.
Variant type: single nucleotide variant.
Coding change: c.1732C>T on transcript NM_001278512.2 (MANE Select); coding-DNA position 1732, C replaced by T.
Protein change: p.Arg578Trp; replaces arginine 578 with tryptophan.
Molecular consequence: missense variant.
Genome position (GRCh38, 1-based): chr15:82,666,867, G>A on the plus strand (C>T on the coding strand, the complement: AP3B2 is on the minus strand). VCF-style: chr15-82666867-G-A. GRCh37 (hg19) VCF-style: chr15-83335619-G-A.
Other names: c.1636C>T, p.Arg546Trp (NM_001278511.2); c.1732C>T, p.Arg578Trp (NM_004644.5); c.1732C>T (NM_004644.3); short protein forms R546W, R578W.
Identifiers: ClinVar variation 1486207 (VCV001486207.6), dbSNP rs140388339, ClinGen allele CA393314065.

ClinVar aggregate classification (germline): Uncertain significance. Review status: criteria provided, multiple submitters, no conflicts (2 of 4 stars). 2 submissions from 2 submitters: Uncertain significance (2). Last evaluated 2023-12-20.

Conditions:
Inborn genetic diseases. Identifiers: MedGen C0950123, MeSH D030342.

Allele frequency attached by ClinVar (database versions not stated): gnomAD 0.00001; TOPMed 0.00001.
gnomAD v4.1: 7 of 1,613,900 alleles (0.00043%); highest among the groups gnomAD compares: East Asian, 0.0022%; no homozygotes.

Submissions (2):

Ambry Genetics
Classification: Uncertain significance for Inborn genetic diseases. Last evaluated: 2023-12-20. Review status: criteria provided, single submitter. Criteria: Ambry Variant Classification Scheme 2023. Collection method: clinical testing. Allele origin: germline.

Labcorp Genetics (formerly Invitae), Labcorp
Classification: Uncertain significance. Last evaluated: 2021-09-24. Review status: criteria provided, single submitter. Criteria: Invitae Variant Classification Sherloc (09022015). Collection method: clinical testing. Allele origin: germline.
Comment: This sequence change replaces arginine with tryptophan at codon 578 of the AP3B2 protein (p.Arg578Trp). The arginine residue is highly conserved and there is a moderate physicochemical difference between arginine and tryptophan. This variant is not present in population databases (ExAC no frequency). This variant has not been reported in the literature in individuals with AP3B2-related conditions. Algorithms developed to predict the effect of missense changes on protein structure and function (SIFT, PolyPhen-2, Align-GVGD) all suggest that this variant is likely to be disruptive, but these predictions have not been confirmed by published functional studies and their clinical significance is uncertain. In summary, the available evidence is currently insufficient to determine the role of this variant in disease. Therefore, it has been classified as a Variant of Uncertain Significance.